The following is an entry in ClinVar:

NM_014984.4(CEP131):c.465G>A (p.Arg155=)

Gene: CEP131 (centrosomal protein 131; minus strand). Cytogenetic location: 17q25.3.
Variant type: single nucleotide variant.
Coding change: c.465G>A on transcript NM_014984.4 (MANE Select); coding-DNA position 465, G replaced by A.
Protein change: p.Arg155=; no amino-acid change (arginine 155 retained).
Molecular consequence: synonymous variant.
Genome position (GRCh38, 1-based): chr17:81,206,794, C>T on the plus strand (G>A on the coding strand, the complement: CEP131 is on the minus strand). VCF-style: chr17-81206794-C-T. GRCh37 (hg19) VCF-style: chr17-79180594-C-T.
Other names: c.465G>A, p.Arg155= (NM_001009811.4, NM_001319228.2, NM_001319229.2).
Identifiers: ClinVar variation 2648440 (VCV002648440.24), dbSNP rs142431349, ClinGen allele CA8830271.

ClinVar aggregate classification (germline): Likely benign (1 of 4 stars; one submission).

Allele frequency attached by ClinVar (database versions not stated): 1000 Genomes Project 30x 0.00016; 1000 Genomes Project 0.00020; ESP Exome Variant Server 0.00038; ExAC 0.00206; gnomAD 0.00280; TOPMed 0.00307; gnomAD exomes 0.00430.
gnomAD v4.1: 6,774 of 1,614,144 alleles (0.42%); highest among the groups gnomAD compares: Non-Finnish European, 0.51%; 24 homozygotes.

Submission:

CeGaT Center for Human Genetics Tuebingen
Classification: Likely benign. Last evaluated: 2023-01-01. Review status: criteria provided, single submitter. Criteria: CeGaT Center For Human Genetics Tuebingen Variant Classification Criteria Version 2. Collection method: clinical testing. Allele origin: germline. Affected: yes. Observed: 1 variant allele.
Comment: CEP131: BP4, BP7